The following is an entry in ClinVar:

NM_000540.3(RYR1):c.1077_1078delinsCT (p.Ala360Ser)

Gene: RYR1 (ryanodine receptor 1; plus strand). Cytogenetic location: 19q13.2.
Variant type: Indel.
Coding change: c.1077_1078delinsCT on transcript NM_000540.3 (MANE Select); coding-DNA positions 1077 to 1078, TG replaced by CT.
Protein change: p.Ala360Ser; replaces alanine 360 with serine.
Molecular consequence: missense variant.
Genome position (GRCh38, 1-based): chr19:38,448,768-38,448,769, TG replaced by CT. VCF-style: chr19-38448768-TG-CT. GRCh37 (hg19) VCF-style: chr19-38939408-TG-CT.
Other names: c.1077_1078delinsCT, p.Ala360Ser (NM_001042723.2); short protein forms A360S.
Identifiers: ClinVar variation 4758820 (VCV004758820.1).

ClinVar aggregate classification (germline): Uncertain significance (1 of 4 stars; one submission).

Conditions:
Malignant hyperthermia, susceptibility to, 1 (MHS1). Also called: RYR1-Related Malignant Hyperthermia Susceptibility; Malignant hyperthermia suceptibility 1; Anesthesia related hyperthermia; Malignant hyperpyrexia; Fulminating hyperpyrexia; Pharmacogenic myopathy. Identifiers: Orphanet 423, MedGen C2930980, MONDO:0007783, OMIM 145600.

Submission:

Color Diagnostics, LLC DBA Color Health
Classification: Uncertain significance for Malignant hyperthermia, susceptibility to, 1. Last evaluated: 2025-06-17. Review status: criteria provided, single submitter. Criteria: ACMG Guidelines, 2015. Collection method: clinical testing. Allele origin: germline.
Comment: This missense variant replaces alanine with serine at codon 360 of the RYR1 protein. To our knowledge, functional studies have not been reported for this variant. This variant has not been reported in individuals affected with RYR1-related disorders in the literature. This variant has not been identified in the general population by the Genome Aggregation Database (gnomAD). The available evidence is insufficient to determine the role of this variant in disease conclusively. Therefore, this variant is classified as a Variant of Uncertain Significance.